The following is an entry in ClinVar:

GRCh37/hg19 Xp21.1(chrX:31674088-31904904)x0

Gene: DMD (dystrophin; minus strand). Cytogenetic location: Xp21.1.
Variant type: copy number loss.
Change: copy number 0 of chrX:31,674,088-31,904,904 (230.8 kb, GRCh37 coordinates, 1-based), cytogenetic band Xp21.1.
Identifiers: ClinVar variation 564816 (VCV000564816.2).

ClinVar aggregate classification (germline): Pathogenic (0 of 4 stars; one submission).

Submission:

Quest Diagnostics Nichols Institute San Juan Capistrano
Classification: Pathogenic. Last evaluated: 2025-11-04. Review status: no assertion criteria provided. Collection method: clinical testing. Allele origin: germline.
Comment: This copy number loss involves exons 48-54 (NM_004006.3) within the DMD gene (OMIM 300377) and is predicted to lead to NMD. Several de novo cases have been published (Ling 2020, Barseghyan 2017).

Literature cited by the submitters: PubMed 29070057; PubMed 31705731.